The following is an entry in ClinVar:

NM_006904.7(PRKDC):c.1330G>C (p.Asp444His)

Gene: PRKDC (protein kinase, DNA-activated, catalytic subunit; minus strand). Cytogenetic location: 8q11.21.
Variant type: single nucleotide variant.
Coding change: c.1330G>C on transcript NM_006904.7 (MANE Select); coding-DNA position 1330, G replaced by C.
Protein change: p.Asp444His; replaces aspartic acid 444 with histidine.
Molecular consequence: missense variant.
Genome position (GRCh38, 1-based): chr8:47,935,849, C>G on the plus strand (G>C on the coding strand, the complement: PRKDC is on the minus strand). VCF-style: chr8-47935849-C-G. GRCh37 (hg19) VCF-style: chr8-48848409-C-G.
Other names: c.1330G>C, p.Asp444His (NM_001081640.2); short protein forms D444H.
Identifiers: ClinVar variation 1417153 (VCV001417153.8), dbSNP rs1368565785, ClinGen allele CA371165910.
Genomic context (GRCh38, chr8:47,935,849, plus strand): 5'-CCTTCACTATGGCTCTGCAACACACCAGCTGCATTTTTGGACTGTACTGTGGGAAACTGT[C>G]TATCTGCATCACCACGAGGTGCTCCAGAACTGGAGTATACACCTCAGGAACCTACCGGAA-3'
Protein context (NP_008835.5, residues 434-454): VLEHLVVMQI[Asp444His]SFPQYSPKMQ

ClinVar aggregate classification (germline): Uncertain significance. Review status: criteria provided, multiple submitters, no conflicts (2 of 4 stars). 2 submissions from 2 submitters: Uncertain significance (2). Last evaluated 2022-08-16.

Conditions:
Severe combined immunodeficiency due to DNA-PKcs deficiency. Also called: Immunodeficiency 26 with or without neurologic abnormalities; IMMUNODEFICIENCY 26 WITH NEUROLOGIC ABNORMALITIES. Identifiers: Orphanet 317425, MedGen C4014833, MONDO:0014423, OMIM 615966.

Allele frequency attached by ClinVar (database versions not stated): gnomAD exomes below 0.00001; TOPMed 0.00002; gnomAD 0.00004.
gnomAD v4.1: 8 of 1,613,862 alleles (0.0005%); highest among the groups gnomAD compares: African/African-American, 0.0093%; no homozygotes.

Submissions (2):

Labcorp Genetics (formerly Invitae), Labcorp
Classification: Uncertain significance for Severe combined immunodeficiency due to DNA-PKcs deficiency. Last evaluated: 2022-08-16. Review status: criteria provided, single submitter. Criteria: Invitae Variant Classification Sherloc (09022015). Collection method: clinical testing. Allele origin: germline.
Comment: In summary, the available evidence is currently insufficient to determine the role of this variant in disease. Therefore, it has been classified as a Variant of Uncertain Significance. Experimental studies and prediction algorithms are not available or were not evaluated, and the functional significance of this variant is currently unknown. ClinVar contains an entry for this variant (Variation ID: 1417153). This variant has not been reported in the literature in individuals affected with PRKDC-related conditions. This variant is present in population databases (no rsID available, gnomAD 0.02%). This sequence change replaces aspartic acid, which is acidic and polar, with histidine, which is basic and polar, at codon 444 of the PRKDC protein (p.Asp444His).

Ambry Genetics
Classification: Uncertain significance. Last evaluated: 2022-01-05. Review status: criteria provided, single submitter. Criteria: Ambry Variant Classification Scheme 2023. Collection method: clinical testing. Allele origin: germline.
Comment: The p.D444H variant (also known as c.1330G>C), located in coding exon 13 of the PRKDC gene, results from a G to C substitution at nucleotide position 1330. The aspartic acid at codon 444 is replaced by histidine, an amino acid with similar properties. This amino acid position is conserved. In addition, this alteration is predicted to be tolerated by in silico analysis. Since supporting evidence is limited at this time, the clinical significance of this alteration remains unclear.